The following is an entry in ClinVar:

NM_001491.3(GCNT2):c.707_708dup (p.Lys237fs)

Gene: GCNT2 (glucosaminyl (N-acetyl) transferase 2 (I blood group); plus strand). Cytogenetic location: 6p24.3.
Variant type: Duplication.
Coding change: c.707_708dup on transcript NM_001491.3 (MANE Plus Clinical); coding-DNA positions 707 to 708, 2 bases duplicated (GC; older notation c.707_708dupGC).
Protein change: p.Lys237fs; shifts the reading frame from lysine 237.
Molecular consequence: frameshift variant. On other transcripts: intron variant (2).
Genome position (GRCh38, 1-based): chr6:10,557,130-10,557,131, GC duplicated. VCF-style (leftmost placement, unchanged base first): chr6-10557129-G-GGC. GRCh37 (hg19) VCF-style: chr6-10557362-G-GGC.
Other names: c.925+27294_925+27295dup (NM_145649.5, NM_001374747.1); c.707_708dupGC (NM_001491.3); short protein forms K237fs.
Identifiers: ClinVar variation 4849446 (VCV004849446.1).
Genomic context (GRCh38, chr6:10,557,129, plus strand): 5'-GGGGTGCTGCCCCCAGCTCATGCAATTGGACGGACTAAATATGTCCACCAAGAGCACCTG[G>GGC]GCAAAGAGCTTTCCTATGTGATAAGAACAACAGCGTTGAAACCGCCTCCCCCCCATAATC-3'

ClinVar aggregate classification (germline): Likely pathogenic (1 of 4 stars; one submission).

Conditions:
Cataract 13 with adult I phenotype. Identifiers: Orphanet 91492, MedGen C3805373, MONDO:0007289, OMIM 116700.

Submission:

First Genomix Gene Laboratory, Genetic Diagnostics Department
Classification: Likely pathogenic for Cataract 13 with adult I phenotype. Last evaluated: 2025-06-02. Review status: criteria provided, single submitter. Criteria: ACMG Guidelines, 2015. Collection method: clinical testing. Allele origin: germline. Inheritance: Autosomal recessive inheritance. Affected: no. Observed: 1 variant allele.